The following is an entry in ClinVar:

NM_001184.4(ATR):c.4853-4C>G

Gene: ATR (ATR checkpoint kinase; minus strand). Cytogenetic location: 3q23.
Variant type: single nucleotide variant.
Coding change: c.4853-4C>G on transcript NM_001184.4 (MANE Select); 4 bases into the intron before coding-DNA position 4853, C replaced by G.
Molecular consequence: intron variant.
Genome position (GRCh38, 1-based): chr3:142,508,113, G>C on the plus strand (C>G on the coding strand, the complement: ATR is on the minus strand). VCF-style: chr3-142508113-G-C. GRCh37 (hg19) VCF-style: chr3-142226955-G-C.
Other names: c.4661-4C>G (NM_001354579.2).
Identifiers: ClinVar variation 2061969 (VCV002061969.4), dbSNP rs2108361523, ClinGen allele CA2577925081.

ClinVar aggregate classification (germline): Uncertain significance (1 of 4 stars; one submission).

Allele frequency attached by ClinVar (database versions not stated): gnomAD exomes below 0.00001.
gnomAD v4.1: 4 of 1,604,428 alleles (0.00025%); highest among the groups gnomAD compares: Non-Finnish European, 0.00034%; no homozygotes.

Submission:

Labcorp Genetics (formerly Invitae), Labcorp
Classification: Uncertain significance. Last evaluated: 2022-04-07. Review status: criteria provided, single submitter. Criteria: Invitae Variant Classification Sherloc (09022015). Collection method: clinical testing. Allele origin: germline.
Comment: In summary, the available evidence is currently insufficient to determine the role of this variant in disease. Therefore, it has been classified as a Variant of Uncertain Significance. Algorithms developed to predict the effect of sequence changes on RNA splicing suggest that this variant may disrupt the consensus splice site. This variant has not been reported in the literature in individuals affected with ATR-related conditions. This variant is not present in population databases (gnomAD no frequency). This sequence change falls in intron 27 of the ATR gene. It does not directly change the encoded amino acid sequence of the ATR protein.